The following is an entry in ClinVar:

ClinVar aggregate classification (germline): Uncertain significance (1 of 4 stars; one submission).

Submission:

GeneDx
Classification: Uncertain significance. Last evaluated: 2026-10-06. Review status: criteria provided, single submitter. Criteria: GeneDx Variant Classification Process June 2021. Collection method: clinical testing. Allele origin: germline.
Comment: In silico analysis supports that this missense variant has a deleterious effect on protein structure/function; Has not been previously published as pathogenic or benign to our knowledge

NM_133261.3(GIPC3):c.101G>A (p.Arg34His)

Gene: GIPC3 (GIPC PDZ domain containing family member 3; plus strand). Cytogenetic location: 19p13.3.
Variant type: single nucleotide variant.
Coding change: c.101G>A on transcript NM_133261.3 (MANE Select); coding-DNA position 101, G replaced by A.
Protein change: p.Arg34His; replaces arginine 34 with histidine.
Molecular consequence: missense variant.
Genome position (GRCh38, 1-based): chr19:3,585,698, G>A. VCF-style: chr19-3585698-G-A. GRCh37 (hg19) VCF-style: chr19-3585696-G-A.
Other names: c.101G>A, p.Arg34His (NM_001411144.1); short protein forms R34H.
Identifiers: ClinVar variation 3372377 (VCV003372377.2).